The following is an entry in ClinVar:

ClinVar aggregate classification (germline): Uncertain significance. Review status: criteria provided, multiple submitters, no conflicts (2 of 4 stars). 2 submissions from 2 submitters: Uncertain significance (2). Last evaluated 2025-10-02.

Conditions:
Inborn genetic diseases. Identifiers: MedGen C0950123, MeSH D030342.

Submissions (2):

Ambry Genetics
Classification: Uncertain significance for Inborn genetic diseases. Last evaluated: 2025-10-02. Review status: criteria provided, single submitter. Criteria: Ambry Variant Classification Scheme 2023. Collection method: clinical testing. Allele origin: germline.

GeneDx
Classification: Uncertain significance. Last evaluated: 2025-03-14. Review status: criteria provided, single submitter. Criteria: GeneDx Variant Classification Process June 2021. Collection method: clinical testing. Allele origin: germline. Affected: yes.
Comment: Not observed at significant frequency in large population cohorts (gnomAD); In silico analysis indicates that this missense variant does not alter protein structure/function; Has not been previously published as pathogenic or benign to our knowledge

NM_001038.6(SCNN1A):c.1729C>A (p.Leu577Met)

Gene: SCNN1A (sodium channel epithelial 1 subunit alpha; minus strand). Cytogenetic location: 12p13.31.
Variant type: single nucleotide variant.
Coding change: c.1729C>A on transcript NM_001038.6 (MANE Select); coding-DNA position 1729, C replaced by A.
Protein change: p.Leu577Met; replaces leucine 577 with methionine.
Molecular consequence: missense variant.
Genome position (GRCh38, 1-based): chr12:6,348,154, G>T on the plus strand (C>A on the coding strand, the complement: SCNN1A is on the minus strand). VCF-style: chr12-6348154-G-T. GRCh37 (hg19) VCF-style: chr12-6457320-G-T.
Other names: c.1798C>A, p.Leu600Met (NM_001159575.2); c.1906C>A, p.Leu636Met (NM_001159576.2); short protein forms L577M, L600M, L636M.
Identifiers: ClinVar variation 4083077 (VCV004083077.2).